The following is an entry in ClinVar:

ClinVar aggregate classification (germline): Likely benign (1 of 4 stars; one submission).

Allele frequency attached by ClinVar (database versions not stated): ESP Exome Variant Server 0.00069; 1000 Genomes Project 30x 0.00078; ExAC 0.00078; 1000 Genomes Project 0.00080; gnomAD 0.00101; TOPMed 0.00107; gnomAD exomes 0.00127.
gnomAD v4.1: 2,012 of 1,614,108 alleles (0.12%); highest among the groups gnomAD compares: Admixed American, 0.24%; 5 homozygotes.

Submission:

CeGaT Center for Human Genetics Tuebingen
Classification: Likely benign. Last evaluated: 2025-08-01. Review status: criteria provided, single submitter. Criteria: CeGaT Center For Human Genetics Tuebingen Variant Classification Criteria Version 2. Collection method: clinical testing. Allele origin: germline. Affected: yes. Observed: 2 variant alleles.
Comment: EMILIN2: BP4, BP7

NM_032048.3(EMILIN2):c.2241G>A (p.Thr747=)

Gene: EMILIN2 (elastin microfibril interfacer 2; plus strand). Cytogenetic location: 18p11.32.
Variant type: single nucleotide variant.
Coding change: c.2241G>A on transcript NM_032048.3 (MANE Select); coding-DNA position 2241, G replaced by A.
Protein change: p.Thr747=; no amino-acid change (threonine 747 retained).
Molecular consequence: synonymous variant.
Genome position (GRCh38, 1-based): chr18:2,892,368, G>A. VCF-style: chr18-2892368-G-A. GRCh37 (hg19) VCF-style: chr18-2892366-G-A.
Identifiers: ClinVar variation 2648520 (VCV002648520.24), dbSNP rs139031307, ClinGen allele CA8872350.